The following is an entry in ClinVar:

ClinVar aggregate classification (germline): Likely pathogenic (1 of 4 stars; one submission).

Submission:

Labcorp Genetics (formerly Invitae), Labcorp
Classification: Likely pathogenic. Last evaluated: 2022-08-16. Review status: criteria provided, single submitter. Criteria: Invitae Variant Classification Sherloc (09022015). Collection method: clinical testing. Allele origin: germline.
Comment: This variant has not been reported in the literature in individuals affected with MYO7A-related conditions. This sequence change replaces arginine, which is basic and polar, with serine, which is neutral and polar, at codon 853 of the MYO7A protein (p.Arg853Ser). This variant is not present in population databases (gnomAD no frequency). Advanced modeling of protein sequence and biophysical properties (such as structural, functional, and spatial information, amino acid conservation, physicochemical variation, residue mobility, and thermodynamic stability) performed at Invitae indicates that this missense variant is expected to disrupt MYO7A protein function. This variant disrupts the p.Arg853 amino acid residue in MYO7A. Other variant(s) that disrupt this residue have been determined to be pathogenic (PMID: 32097363). This suggests that this residue is clinically significant, and that variants that disrupt this residue are likely to be disease-causing. In summary, the currently available evidence indicates that the variant is pathogenic, but additional data are needed to prove that conclusively. Therefore, this variant has been classified as Likely Pathogenic.

Literature cited by the submitters: PubMed 32097363.

NM_000260.4(MYO7A):c.2557C>A (p.Arg853Ser)

Gene: MYO7A (myosin VIIA; plus strand). Cytogenetic location: 11q13.5.
Variant type: single nucleotide variant.
Coding change: c.2557C>A on transcript NM_000260.4 (MANE Select); coding-DNA position 2557, C replaced by A.
Protein change: p.Arg853Ser; replaces arginine 853 with serine.
Molecular consequence: missense variant.
Genome position (GRCh38, 1-based): chr11:77,179,924, C>A. VCF-style: chr11-77179924-C-A. GRCh37 (hg19) VCF-style: chr11-76890970-C-A.
Other names: c.2557C>A, p.Arg853Ser (NM_001127180.2); c.2524C>A, p.Arg842Ser (NM_001369365.1); short protein forms R842S, R853S.
Identifiers: ClinVar variation 1962149 (VCV001962149.5), dbSNP rs2135473615, ClinGen allele CA381942006.